The following is an entry in ClinVar:

NM_016604.4(KDM3B):c.2581A>G (p.Lys861Glu)

Gene: KDM3B (lysine demethylase 3B; plus strand). Cytogenetic location: 5q31.2.
Variant type: single nucleotide variant.
Coding change: c.2581A>G on transcript NM_016604.4 (MANE Select); coding-DNA position 2581, A replaced by G.
Protein change: p.Lys861Glu; replaces lysine 861 with glutamic acid.
Genome position (GRCh38, 1-based): chr5:138,392,213, A>G. VCF-style: chr5-138392213-A-G. GRCh37 (hg19) VCF-style: chr5-137727902-A-G.
Other names: short protein forms K861E.
Identifiers: ClinVar variation 1691775 (VCV001691775.3), dbSNP rs2126952144, ClinGen allele CA361110498.

ClinVar aggregate classification (germline): Conflicting classifications of pathogenicity. Review status: criteria provided, conflicting classifications (1 of 4 stars). 2 submissions from 2 submitters: Uncertain significance (1); Likely benign (1). Last evaluated 2024-02-27.

Conditions:
Inborn genetic diseases. Identifiers: MedGen C0950123, MeSH D030342.

Submissions (2):

Ambry Genetics
Classification: Uncertain significance for Inborn genetic diseases. Last evaluated: 2024-02-27. Review status: criteria provided, single submitter. Criteria: Ambry Variant Classification Scheme 2023. Collection method: clinical testing. Allele origin: germline.

GeneDx
Classification: Likely benign. Last evaluated: 2022-04-21. Review status: criteria provided, single submitter. Criteria: GeneDx Variant Classification Process June 2021. Collection method: clinical testing. Allele origin: germline. Affected: yes.
Comment: Not observed at significant frequency in large population cohorts (gnomAD); In silico analysis supports that this missense variant does not alter protein structure/function; Has not been previously published as pathogenic or benign to our knowledge